The following is an entry in ClinVar:

NM_021913.5(AXL):c.2171G>A (p.Arg724His)

Gene: AXL (AXL receptor tyrosine kinase; plus strand). Cytogenetic location: 19q13.2.
Variant type: single nucleotide variant.
Coding change: c.2171G>A on transcript NM_021913.5 (MANE Select); coding-DNA position 2171, G replaced by A.
Protein change: p.Arg724His; replaces arginine 724 with histidine.
Molecular consequence: missense variant.
Genome position (GRCh38, 1-based): chr19:41,256,586, G>A. VCF-style: chr19-41256586-G-A. GRCh37 (hg19) VCF-style: chr19-41762491-G-A.
Other names: c.1367G>A, p.Arg456His (NM_001278599.2); c.2144G>A, p.Arg715His (NM_001699.6); short protein forms R715H, R724H, R456H.
Identifiers: ClinVar variation 1406781 (VCV001406781.6), dbSNP rs1441087022, ClinGen allele CA405999925.
Genomic context (GRCh38, chr19:41,256,586, plus strand): 5'-GCCAGGGACGTATCGCCAAGATGCCAGTCAAGTGGATTGCCATTGAGAGTCTAGCTGACC[G>A]TGTCTACACCAGCAAGAGCGATGTGGTAGGTGCACTCCCGCCAAGAGTGGGGAACCATGG-3'
Protein context (NP_068713.2, residues 714-734): KWIAIESLAD[Arg724His]VYTSKSDVWS

ClinVar aggregate classification (germline): Uncertain significance (1 of 4 stars; one submission).

Allele frequency attached by ClinVar (database versions not stated): gnomAD exomes below 0.00001; TOPMed 0.00001.
gnomAD v4.1: 3 of 1,613,834 alleles (0.00019%); highest among the groups gnomAD compares: South Asian, 0.0011%; no homozygotes.

Submission:

Labcorp Genetics (formerly Invitae), Labcorp
Classification: Uncertain significance. Last evaluated: 2021-10-25. Review status: criteria provided, single submitter. Criteria: Invitae Variant Classification Sherloc (09022015). Collection method: clinical testing. Allele origin: germline.
Comment: This variant has not been reported in the literature in individuals affected with AXL-related conditions. This variant is not present in population databases (ExAC no frequency). This sequence change replaces arginine with histidine at codon 724 of the AXL protein (p.Arg724His). The arginine residue is highly conserved and there is a small physicochemical difference between arginine and histidine. Algorithms developed to predict the effect of missense changes on protein structure and function (SIFT, PolyPhen-2, Align-GVGD) all suggest that this variant is likely to be disruptive. In summary, the available evidence is currently insufficient to determine the role of this variant in disease. Therefore, it has been classified as a Variant of Uncertain Significance.